The following is an entry in ClinVar:

ClinVar aggregate classification (germline): Uncertain significance (1 of 4 stars; one submission).

Conditions:
Familial cold autoinflammatory syndrome 3 (FCAS3). Also called: ANTIBODY DEFICIENCY AND IMMUNE DYSREGULATION, PLCG2-ASSOCIATED; FAMILIAL ATYPICAL COLD URTICARIA. Identifiers: Orphanet 300359, MedGen C3280914, MONDO:0013766, OMIM 614468.

Submission:

Labcorp Genetics (formerly Invitae), Labcorp
Classification: Uncertain significance for Familial cold autoinflammatory syndrome 3. Last evaluated: 2025-03-18. Review status: criteria provided, single submitter. Criteria: Invitae Variant Classification Sherloc (09022015). Collection method: clinical testing. Allele origin: germline.
Comment: This sequence change replaces asparagine, which is neutral and polar, with aspartic acid, which is acidic and polar, at codon 1225 of the PLCG2 protein (p.Asn1225Asp). This variant is not present in population databases (gnomAD no frequency). This variant has not been reported in the literature in individuals affected with PLCG2-related conditions. ClinVar contains an entry for this variant (Variation ID: 3018003). An algorithm developed to predict the effect of missense changes on protein structure and function (PolyPhen-2) suggests that this variant is likely to be tolerated. In summary, the available evidence is currently insufficient to determine the role of this variant in disease. Therefore, it has been classified as a Variant of Uncertain Significance.

NM_002661.5(PLCG2):c.3673A>G (p.Asn1225Asp)

Gene: PLCG2 (phospholipase C gamma 2; plus strand). Cytogenetic location: 16q23.3.
Variant type: single nucleotide variant.
Coding change: c.3673A>G on transcript NM_002661.5 (MANE Select); coding-DNA position 3673, A replaced by G.
Protein change: p.Asn1225Asp; replaces asparagine 1225 with aspartic acid.
Molecular consequence: missense variant.
Genome position (GRCh38, 1-based): chr16:81,956,797, A>G. VCF-style: chr16-81956797-A-G. GRCh37 (hg19) VCF-style: chr16-81990402-A-G.
Other names: c.3673A>G, p.Asn1225Asp (NM_001425749.1, NM_001425750.1, NM_001425751.1); short protein forms N1225D.
Identifiers: ClinVar variation 3018003 (VCV003018003.3), dbSNP rs1911587687, ClinGen allele CA396898385.